The following is an entry in ClinVar:

NM_004260.4(RECQL4):c.3122G>A (p.Gly1041Glu)

Gene: RECQL4 (RecQ like helicase 4; minus strand). Cytogenetic location: 8q24.3.
Variant type: single nucleotide variant.
Coding change: c.3122G>A on transcript NM_004260.4 (MANE Select); coding-DNA position 3122, G replaced by A.
Protein change: p.Gly1041Glu; replaces glycine 1041 with glutamic acid.
Molecular consequence: missense variant.
Genome position (GRCh38, 1-based): chr8:144,512,258, C>T on the plus strand (G>A on the coding strand, the complement: RECQL4 is on the minus strand). VCF-style: chr8-144512258-C-T. GRCh37 (hg19) VCF-style: chr8-145737641-C-T.
Other names: short protein forms G1041E.
Identifiers: ClinVar variation 1016340 (VCV001016340.3), dbSNP rs1827385602, ClinGen allele CA372670491.
Genomic context (GRCh38, chr8:144,512,258, plus strand): 5'-GCCTGCACACGGCCATAGAGGAAGTCACATATCTGGTCCTTCTCCTCAGCGGTCAAGTCC[C>T]CCGGGCTGCGAAGGTGGAAGGCCAGCTCACTGAACTCCACAAGCACCCCTGTCCCACGCC-3'
Protein context (NP_004251.4, residues 1031-1051): SELAFHLRSP[Gly1041Glu]DLTAEEKDQI

ClinVar aggregate classification (germline): Uncertain significance (1 of 4 stars; one submission).

Conditions:
Baller-Gerold syndrome (BGS). Also called: CRANIOSYNOSTOSIS WITH RADIAL DEFECTS. Identifiers: Orphanet 1225, MedGen C0265308, MONDO:0009039, OMIM 218600.

Submission:

Labcorp Genetics (formerly Invitae), Labcorp
Classification: Uncertain significance for Baller-Gerold syndrome. Last evaluated: 2025-11-09. Review status: criteria provided, single submitter. Criteria: Invitae Variant Classification Sherloc (09022015). Collection method: clinical testing. Allele origin: germline.
Comment: This sequence change replaces glycine, which is neutral and non-polar, with glutamic acid, which is acidic and polar, at codon 1041 of the RECQL4 protein (p.Gly1041Glu). This variant is not present in population databases (gnomAD no frequency). This variant has not been reported in the literature in individuals affected with RECQL4-related conditions. ClinVar contains an entry for this variant (Variation ID: 1016340). Invitae Evidence Modeling of protein sequence and biophysical properties (such as structural, functional, and spatial information, amino acid conservation, physicochemical variation, residue mobility, and thermodynamic stability) indicates that this missense variant is expected to disrupt RECQL4 protein function with a positive predictive value of 80%. In summary, the available evidence is currently insufficient to determine the role of this variant in disease. Therefore, it has been classified as a Variant of Uncertain Significance.